The following is an entry in ClinVar:

ClinVar aggregate classification (germline): Uncertain significance. Review status: criteria provided, multiple submitters, no conflicts (2 of 4 stars). 4 submissions from 3 submitters: Uncertain significance (4). Last evaluated 2024-12-17.

Conditions:
Amyotrophic lateral sclerosis type 4 (ALS4). Also called: AMYOTROPHIC LATERAL SCLEROSIS 4, JUVENILE; NEURONOPATHY, DISTAL HEREDITARY MOTOR, WITH PYRAMIDAL FEATURES. Identifiers: Orphanet 357043, MedGen C1865409, MONDO:0011223, OMIM 602433.
Spinocerebellar ataxia, autosomal recessive, with axonal neuropathy 2 (SCAN2). Also called: Ataxia with Oculomotor Apraxia; ATAXIA-OCULOMOTOR APRAXIA 2; Ataxia-ocular apraxia-2; Ataxia with Oculomotor Apraxia Type 2. Identifiers: Orphanet 64753, MedGen C1853761, MONDO:0018996, OMIM 606002.

gnomAD v4.1: 5 of 1,613,954 alleles (0.00031%); highest among the groups gnomAD compares: African/African-American, 0.0027%; no homozygotes.

Submissions (4):

Labcorp Genetics (formerly Invitae), Labcorp
Classification: Uncertain significance for Amyotrophic lateral sclerosis type 4; Spinocerebellar ataxia, autosomal recessive, with axonal neuropathy 2. Last evaluated: 2024-12-17. Review status: criteria provided, single submitter. Criteria: Invitae Variant Classification Sherloc (09022015). Collection method: clinical testing. Allele origin: germline.
Comment: This sequence change replaces valine, which is neutral and non-polar, with alanine, which is neutral and non-polar, at codon 1317 of the SETX protein (p.Val1317Ala). This variant is not present in population databases (gnomAD no frequency). This variant has not been reported in the literature in individuals affected with SETX-related conditions. ClinVar contains an entry for this variant (Variation ID: 577618). Invitae Evidence Modeling of protein sequence and biophysical properties (such as structural, functional, and spatial information, amino acid conservation, physicochemical variation, residue mobility, and thermodynamic stability) indicates that this missense variant is not expected to disrupt SETX protein function with a negative predictive value of 95%. In summary, the available evidence is currently insufficient to determine the role of this variant in disease. Therefore, it has been classified as a Variant of Uncertain Significance.

Genome-Nilou Lab
Classification: Uncertain significance for Spinocerebellar ataxia, autosomal recessive, with axonal neuropathy 2. Last evaluated: 2023-02-08. Review status: criteria provided, single submitter. Criteria: ACMG Guidelines, 2015. Collection method: clinical testing. Allele origin: germline.

Genome-Nilou Lab
Classification: Uncertain significance for Amyotrophic lateral sclerosis type 4. Last evaluated: 2023-02-08. Review status: criteria provided, single submitter. Criteria: ACMG Guidelines, 2015. Collection method: clinical testing. Allele origin: germline.

GeneDx
Classification: Uncertain significance. Last evaluated: 2022-05-13. Review status: criteria provided, single submitter. Criteria: GeneDx Variant Classification Process June 2021. Collection method: clinical testing. Allele origin: germline. Affected: yes.
Comment: Not observed at significant frequency in large population cohorts (gnomAD); In silico analysis supports that this missense variant does not alter protein structure/function; Has not been previously published as pathogenic or benign to our knowledge

NM_015046.7(SETX):c.3950T>C (p.Val1317Ala)

Gene: SETX (senataxin; minus strand). Cytogenetic location: 9q34.13.
Variant type: single nucleotide variant.
Coding change: c.3950T>C on transcript NM_015046.7 (MANE Select); coding-DNA position 3950, T replaced by C.
Protein change: p.Val1317Ala; replaces valine 1317 with alanine.
Molecular consequence: missense variant.
Genome position (GRCh38, 1-based): chr9:132,327,648, A>G on the plus strand (T>C on the coding strand, the complement: SETX is on the minus strand). VCF-style: chr9-132327648-A-G. GRCh37 (hg19) VCF-style: chr9-135203035-A-G.
Other names: c.3950T>C, p.Val1317Ala (NM_001351527.2, NM_001351528.2); short protein forms V1317A.
Identifiers: ClinVar variation 577618 (VCV000577618.11), dbSNP rs1564539968, ClinGen allele CA375327847.